The following is an entry in ClinVar:

NM_032119.4(ADGRV1):c.18154T>G (p.Cys6052Gly)

Gene: ADGRV1 (adhesion G protein-coupled receptor V1; plus strand). Cytogenetic location: 5q14.3.
Variant type: single nucleotide variant.
Coding change: c.18154T>G on transcript NM_032119.4 (MANE Select); coding-DNA position 18154, T replaced by G.
Protein change: p.Cys6052Gly; replaces cysteine 6052 with glycine.
Molecular consequence: missense variant. On other transcripts: non-coding transcript variant (1).
Genome position (GRCh38, 1-based): chr5:91,072,448, T>G. VCF-style: chr5-91072448-T-G. GRCh37 (hg19) VCF-style: chr5-90368265-T-G.
Other names: short protein forms C6052G.
Identifiers: ClinVar variation 1064143 (VCV001064143.9), dbSNP rs2151394185, ClinGen allele CA360431630.

ClinVar aggregate classification (germline): Uncertain significance (1 of 4 stars; one submission).

Submission:

Labcorp Genetics (formerly Invitae), Labcorp
Classification: Uncertain significance. Last evaluated: 2024-09-11. Review status: criteria provided, single submitter. Criteria: Invitae Variant Classification Sherloc (09022015). Collection method: clinical testing. Allele origin: germline.
Comment: This sequence change replaces cysteine, which is neutral and slightly polar, with glycine, which is neutral and non-polar, at codon 6052 of the ADGRV1 protein (p.Cys6052Gly). This variant is not present in population databases (gnomAD no frequency). This missense change has been observed in individual(s) with retinitis pigmentosa (internal data). ClinVar contains an entry for this variant (Variation ID: 1064143). An algorithm developed to predict the effect of missense changes on protein structure and function (PolyPhen-2) suggests that this variant is likely to be disruptive. In summary, the available evidence is currently insufficient to determine the role of this variant in disease. Therefore, it has been classified as a Variant of Uncertain Significance.